The following is an entry in ClinVar:

NM_020975.6(RET):c.265C>A (p.Gln89Lys)

Gene: RET (ret proto-oncogene; plus strand). Cytogenetic location: 10q11.21.
Variant type: single nucleotide variant.
Coding change: c.265C>A on transcript NM_020975.6 (MANE Select); coding-DNA position 265, C replaced by A.
Protein change: p.Gln89Lys; replaces glutamine 89 with lysine.
Molecular consequence: missense variant.
Genome position (GRCh38, 1-based): chr10:43,100,650, C>A. VCF-style: chr10-43100650-C-A. GRCh37 (hg19) VCF-style: chr10-43596098-C-A.
Other names: c.265C>A, p.Gln89Lys (NM_000323.2, NM_001406743.1, NM_001406744.1 and 34 more transcripts); short protein forms Q89K.
Identifiers: ClinVar variation 1389003 (VCV001389003.18), dbSNP rs2132663101, ClinGen allele CA376770440.

ClinVar aggregate classification (germline): Conflicting classifications of pathogenicity. Review status: criteria provided, conflicting classifications (1 of 4 stars). 5 submissions from 5 submitters: Uncertain significance (4); Likely benign (1). Last evaluated 2026-02-01.

Conditions:
Hereditary cancer-predisposing syndrome. Also called: Hereditary Cancer Syndrome; Tumor predisposition; Neoplastic Syndromes, Hereditary; Hereditary neoplastic syndrome. Identifiers: Orphanet 140162, MedGen C0027672, MeSH D009386, MONDO:0015356.
Multiple endocrine neoplasia, type 2 (MEN2). Identifiers: Orphanet 653, MedGen C4048306, MONDO:0019003. Disease mechanism: gain of function.

Submissions (5):

CeGaT Center for Human Genetics Tuebingen
Classification: Uncertain significance. Last evaluated: 2026-02-01. Review status: criteria provided, single submitter. Criteria: CeGaT Center For Human Genetics Tuebingen Variant Classification Criteria Version 2. Collection method: clinical testing. Allele origin: germline. Affected: yes. Observed: 1 variant allele.
Comment: RET: PM2, BP4

Labcorp Genetics (formerly Invitae), Labcorp
Classification: Uncertain significance for Multiple endocrine neoplasia, type 2. Last evaluated: 2025-10-28. Review status: criteria provided, single submitter. Criteria: Invitae Variant Classification Sherloc (09022015). Collection method: clinical testing. Allele origin: germline.
Comment: This sequence change replaces glutamine, which is neutral and polar, with lysine, which is basic and polar, at codon 89 of the RET protein (p.Gln89Lys). This variant is not present in population databases (gnomAD no frequency). This variant has not been reported in the literature in individuals affected with RET-related conditions. ClinVar contains an entry for this variant (Variation ID: 1389003). An algorithm developed to predict the effect of missense changes on protein structure and function (PolyPhen-2) suggests that this variant is likely to be tolerated. In summary, the available evidence is currently insufficient to determine the role of this variant in disease. Therefore, it has been classified as a Variant of Uncertain Significance.

Ambry Genetics
Classification: Likely benign for Hereditary cancer-predisposing syndrome. Last evaluated: 2025-05-03. Review status: criteria provided, single submitter. Criteria: Ambry Variant Classification Scheme 2023. Collection method: clinical testing. Allele origin: germline.

Quest Diagnostics Nichols Institute San Juan Capistrano
Classification: Uncertain significance. Last evaluated: 2025-03-06. Review status: criteria provided, single submitter. Criteria: Quest Diagnostics criteria. Collection method: clinical testing. Allele origin: unknown.

GeneDx
Classification: Uncertain significance. Last evaluated: 2023-05-16. Review status: criteria provided, single submitter. Criteria: GeneDx Variant Classification Process June 2021. Collection method: clinical testing. Allele origin: germline. Affected: yes.
Comment: Not observed at significant frequency in large population cohorts (gnomAD); In silico analysis supports that this missense variant does not alter protein structure/function; Has not been previously published as pathogenic or benign to our knowledge; This variant is associated with the following publications: (PMID: 14633923)